The following is an entry in ClinVar:

ClinVar aggregate classification (germline): Uncertain significance. Review status: criteria provided, multiple submitters, no conflicts (2 of 4 stars). 2 submissions from 2 submitters: Uncertain significance (2). Last evaluated 2026-01-19.

Conditions:
Dilated cardiomyopathy 1JJ (CMD1JJ). Identifiers: Orphanet 154, MedGen C3808935, MONDO:0014095, OMIM 615235.
Cardiovascular phenotype. Identifiers: MedGen CN230736.

Allele frequency attached by ClinVar (database versions not stated): ExAC 0.00001; gnomAD 0.00001; gnomAD exomes 0.00001; TOPMed 0.00002.
gnomAD v4.1: 9 of 1,612,606 alleles (0.00056%); highest among the groups gnomAD compares: East Asian, 0.02%; no homozygotes.

Submissions (2):

Labcorp Genetics (formerly Invitae), Labcorp
Classification: Uncertain significance for Dilated cardiomyopathy 1JJ. Last evaluated: 2026-01-19. Review status: criteria provided, single submitter. Criteria: Invitae Variant Classification Sherloc (09022015). Collection method: clinical testing. Allele origin: germline.
Comment: This sequence change replaces alanine, which is neutral and non-polar, with valine, which is neutral and non-polar, at codon 1269 of the LAMA4 protein (p.Ala1269Val). This variant is present in population databases (rs782553718, gnomAD 0.03%). This variant has not been reported in the literature in individuals affected with LAMA4-related conditions. ClinVar contains an entry for this variant (Variation ID: 2562622). Invitae Evidence Modeling of protein sequence and biophysical properties (such as structural, functional, and spatial information, amino acid conservation, physicochemical variation, residue mobility, and thermodynamic stability) indicates that this missense variant is not expected to disrupt LAMA4 protein function with a negative predictive value of 80%. In summary, the available evidence is currently insufficient to determine the role of this variant in disease. Therefore, it has been classified as a Variant of Uncertain Significance.

Ambry Genetics
Classification: Uncertain significance for Cardiovascular phenotype. Last evaluated: 2023-03-26. Review status: criteria provided, single submitter. Criteria: Ambry Variant Classification Scheme 2023. Collection method: clinical testing. Allele origin: germline.
Comment: The p.A1269V variant (also known as c.3806C>T), located in coding exon 27 of the LAMA4 gene, results from a C to T substitution at nucleotide position 3806. The alanine at codon 1269 is replaced by valine, an amino acid with similar properties. This amino acid position is conserved. In addition, this alteration is predicted to be tolerated by in silico analysis. Since supporting evidence is limited at this time, the clinical significance of this alteration remains unclear.

NM_001105206.3(LAMA4):c.3827C>T (p.Ala1276Val)

Gene: LAMA4 (laminin subunit alpha 4; minus strand). Cytogenetic location: 6q21.
Variant type: single nucleotide variant.
Coding change: c.3827C>T on transcript NM_001105206.3 (MANE Select); coding-DNA position 3827, C replaced by T.
Protein change: p.Ala1276Val; replaces alanine 1276 with valine.
Molecular consequence: missense variant.
Genome position (GRCh38, 1-based): chr6:112,132,760, G>A on the plus strand (C>T on the coding strand, the complement: LAMA4 is on the minus strand). VCF-style: chr6-112132760-G-A. GRCh37 (hg19) VCF-style: chr6-112453962-G-A.
Other names: c.3806C>T, p.Ala1269Val (NM_001105207.3, NM_002290.5); short protein forms A1276V, A1269V.
Identifiers: ClinVar variation 2562622 (VCV002562622.3), dbSNP rs782553718, ClinGen allele CA3965125.